The following is an entry in ClinVar:

ClinVar aggregate classification (germline): Conflicting classifications of pathogenicity. Review status: criteria provided, conflicting classifications (1 of 4 stars). 8 submissions from 8 submitters: Uncertain significance (5); Likely benign (1). 2 of the submissions do not count toward it. Last evaluated 2026-01-19.

Conditions:
Dyskeratosis congenita. Identifiers: Orphanet 1775, MedGen C0265965, MONDO:0015780.
Pulmonary fibrosis and/or bone marrow failure, Telomere-related, 3. Also called: PULMONARY FIBROSIS AND/OR BONE MARROW FAILURE SYNDROME, TELOMERE-RELATED, 3. Identifiers: Orphanet 2032, MedGen C4225346, MONDO:0014613, OMIM 616373.
Dyskeratosis congenita, autosomal recessive 5 (DKCB5). Identifiers: MedGen C3554656, MONDO:0014076, OMIM 615190.
Inborn genetic diseases. Identifiers: MedGen C0950123, MeSH D030342.
RTEL1-related disorder. Also called: RTEL1-related disorders; RTEL1-related condition.

Allele frequency attached by ClinVar (database versions not stated): TOPMed 0.00012; gnomAD exomes 0.00013 and 0.00031; ESP Exome Variant Server 0.00015; ExAC 0.00017; gnomAD 0.00023 and 0.00024.
gnomAD v4.1: 482 of 1,613,766 alleles (0.03%); highest among the groups gnomAD compares: Non-Finnish European, 0.039%; no homozygotes.

Submissions (8):

Labcorp Genetics (formerly Invitae), Labcorp
Classification: Uncertain significance for Dyskeratosis congenita, autosomal recessive 5; Pulmonary fibrosis and/or bone marrow failure, Telomere-related, 3. Last evaluated: 2026-01-19. Review status: criteria provided, single submitter. Criteria: Invitae Variant Classification Sherloc (09022015). Collection method: clinical testing. Allele origin: germline.
Comment: This sequence change falls in intron 6 of the RTEL1 gene. It does not directly change the encoded amino acid sequence of the RTEL1 protein. It affects a nucleotide within the consensus splice site. This variant is present in population databases (rs201706459, gnomAD 0.04%). This variant has not been reported in the literature in individuals affected with RTEL1-related conditions. ClinVar contains an entry for this variant (Variation ID: 651744). Variants that disrupt the consensus splice site are a relatively common cause of aberrant splicing (PMID: 17576681, 9536098). Algorithms developed to predict the effect of sequence changes on RNA splicing suggest that this variant is not likely to affect RNA splicing. In summary, the available evidence is currently insufficient to determine the role of this variant in disease. Therefore, it has been classified as a Variant of Uncertain Significance.

Laboratory of Genetics, Children's Clinical University Hospital Latvia
Classification: Likely benign. Last evaluated: 2025-02-16. Review status: criteria provided, single submitter. Criteria: ACMG Guidelines, 2015. Collection method: clinical testing. Allele origin: germline. Affected: yes.

Blueprint Genetics
Classification: Uncertain significance. Last evaluated: 2024-11-21. Review status: criteria provided, single submitter. Criteria: ACMG Guidelines, 2015. Collection method: clinical testing. Allele origin: germline.

Fulgent Genetics
Classification: Uncertain significance for Dyskeratosis congenita, autosomal recessive 5; Pulmonary fibrosis and/or bone marrow failure, Telomere-related, 3. Last evaluated: 2022-04-04. Review status: criteria provided, single submitter. Criteria: ACMG Guidelines, 2015. Collection method: clinical testing. Allele origin: unknown.

Ambry Genetics
Classification: Uncertain significance for Inborn genetic diseases. Last evaluated: 2021-09-02. Review status: criteria provided, single submitter. Criteria: Ambry Variant Classification Scheme 2023. Collection method: clinical testing. Allele origin: germline.
Comment: The c.610+3A>G intronic alteration consists of a A to G substitution 3 nucleotides after exon 6 (coding exon 5) of the RTEL1 gene. Based on insufficient or conflicting evidence, the clinical significance of this alteration remains unclear.

Mayo Clinic Laboratories, Mayo Clinic
Classification: Uncertain significance. Last evaluated: 2021-08-10. Review status: criteria provided, single submitter. Criteria: ACMG Guidelines, 2015. Collection method: clinical testing. Allele origin: germline.

PreventionGenetics, part of Exact Sciences
Classification: Uncertain significance for RTEL1-related condition. Last evaluated: 2023-12-19. Review status: no assertion criteria provided. Collection method: clinical testing. Allele origin: germline. Not counted in ClinVar's aggregate classification.
Comment: The RTEL1 c.610+3A>G variant is predicted to interfere with splicing. However such prediction programs are imperfect and should be interpreted with caution. To our knowledge, this variant has not been reported in the literature. This variant is reported in 0.036% of alleles in individuals of European (Non-Finnish) descent in gnomAD. At this time, the clinical significance of this variant is uncertain due to the absence of conclusive functional and genetic evidence.

Natera, Inc.
Classification: Uncertain significance for Dyskeratosis congenita. Last evaluated: 2020-01-24. Review status: no assertion criteria provided. Collection method: clinical testing. Allele origin: germline. Not counted in ClinVar's aggregate classification.

Literature cited by the submitters: PubMed 17576681 (cited by Labcorp Genetics (formerly Invitae), Labcorp); PubMed 9536098 (cited by Labcorp Genetics (formerly Invitae), Labcorp).

NM_001283009.2(RTEL1):c.538+3A>G

Genes: RTEL1 (regulator of telomere elongation helicase 1; plus strand), RTEL1-TNFRSF6B (RTEL1-TNFRSF6B readthrough (NMD candidate); plus strand). Cytogenetic location: 20q13.33.
Variant type: single nucleotide variant.
Coding change: c.538+3A>G on transcript NM_001283009.2 (MANE Select); 3 bases into the intron after coding-DNA position 538, A replaced by G.
Molecular consequence: intron variant.
Genome position (GRCh38, 1-based): chr20:63,662,892, A>G. VCF-style: chr20-63662892-A-G. GRCh37 (hg19) VCF-style: chr20-62294245-A-G.
Other names: c.-132+3A>G (NM_001283010.1); c.610+3A>G (NM_032957.5); c.538+3A>G (NM_016434.4).
Identifiers: ClinVar variation 651744 (VCV000651744.18), dbSNP rs201706459, ClinGen allele CA9964312.
Genomic context (GRCh38, chr20:63,662,892, plus strand): 5'-CACTTGTGCCGTAAGAAGGTGGCAAGTCGCTCCTGTCATTTCTACAACAACGTAGAAGGT[A>G]CAAGCAGCTGGGTGGGACCAGGGTCGGGTTGGAGTGTGTGCAGCCTCTCAGGGTGGAGCT-3'